The following is an entry in ClinVar:

NM_130468.4(CHST14):c.58C>T (p.Arg20Trp)

Genes: CHST14 (carbohydrate sulfotransferase 14; plus strand), LOC130056851 (ATAC-STARR-seq lymphoblastoid silent region 6336; plus strand). Cytogenetic location: 15q15.1.
Variant type: single nucleotide variant.
Coding change: c.58C>T on transcript NM_130468.4 (MANE Select); coding-DNA position 58, C replaced by T.
Protein change: p.Arg20Trp; replaces arginine 20 with tryptophan.
Molecular consequence: missense variant.
Genome position (GRCh38, 1-based): chr15:40,471,271, C>T. VCF-style: chr15-40471271-C-T. GRCh37 (hg19) VCF-style: chr15-40763470-C-T.
Other names: short protein forms R20W.
Identifiers: ClinVar variation 1137645 (VCV001137645.16), dbSNP rs577809616, ClinGen allele CA7481545.

ClinVar aggregate classification (germline): Conflicting classifications of pathogenicity. Review status: criteria provided, conflicting classifications (1 of 4 stars). 5 submissions from 5 submitters: Uncertain significance (1); Likely benign (4). Last evaluated 2026-01-06.

Conditions:
Cardiovascular phenotype. Identifiers: MedGen CN230736.
Ehlers-Danlos syndrome, musculocontractural type (EDSMC). Also called: Adducted thumb, clubfoot, progressive joint and skin laxity syndrome; ADDUCTED THUMB-CLUBFOOT SYNDROME; ARTHROGRYPOSIS, DISTAL, WITH PECULIAR FACIES AND HYDRONEPHROSIS; DUNDAR SYNDROME. Identifiers: Orphanet 2953, MedGen C1866294, MONDO:0011142.

Allele frequency attached by ClinVar (database versions not stated): gnomAD 0.00010 and 0.00016; ExAC 0.00013; TOPMed 0.00015; gnomAD exomes 0.00022; 1000 Genomes Project 0.00060; 1000 Genomes Project 30x 0.00062.
gnomAD v4.1: 292 of 1,500,988 alleles (0.019%); highest among the groups gnomAD compares: East Asian, 0.6%; 3 homozygotes.

Submissions (5):

Labcorp Genetics (formerly Invitae), Labcorp
Classification: Likely benign for Ehlers-Danlos syndrome, musculocontractural type. Last evaluated: 2026-01-06. Review status: criteria provided, single submitter. Criteria: Invitae Variant Classification Sherloc (09022015). Collection method: clinical testing. Allele origin: germline.

Women's Health and Genetics/Laboratory Corporation of America, LabCorp
Classification: Likely benign. Last evaluated: 2024-12-03. Review status: criteria provided, single submitter. Criteria: LabCorp Variant Classification Summary - May 2015. Collection method: clinical testing. Allele origin: germline.
Comment: Variant summary: CHST14 c.58C>T (p.Arg20Trp) results in a non-conservative amino acid change located in the Sulfotransferase family domain (IPR005331) of the encoded protein sequence. Three of five in-silico tools predict a damaging effect of the variant on protein function. The variant allele was found at a frequency of 0.00022 in 98636 control chromosomes, predominantly at a frequency of 0.0031 within the East Asian subpopulation in the gnomAD database. The observed variant frequency within East Asian control individuals in the gnomAD database is approximately 2.77 fold of the estimated maximal expected allele frequency for a pathogenic variant in CHST14 causing Ehlers-Danlos syndrome, musculocontractural type phenotype (0.0011). c.58C>T has been reported in the literature in at least 2 related individuals affected with intracranial aneurysm (example, Song_2022). These report(s) do not provide unequivocal conclusions about association of the variant with Ehlers-Danlos syndrome, musculocontractural type. To our knowledge, no experimental evidence demonstrating an impact on protein function has been reported. The following publication has been ascertained in the context of this evaluation (PMID: 34668355). ClinVar contains an entry for this variant (Variation ID: 1137645). Based on the evidence outlined above, the variant was classified as likely benign.

Blueprint Genetics
Classification: Uncertain significance. Last evaluated: 2024-05-28. Review status: criteria provided, single submitter. Criteria: ACMG Guidelines, 2015. Collection method: clinical testing. Allele origin: germline.

Ambry Genetics
Classification: Likely benign for Cardiovascular phenotype. Last evaluated: 2022-05-04. Review status: criteria provided, single submitter. Criteria: Ambry Variant Classification Scheme 2023. Collection method: clinical testing. Allele origin: germline.

GeneDx
Classification: Likely benign. Last evaluated: 2020-07-10. Review status: criteria provided, single submitter. Criteria: GeneDx Variant Classification Process June 2021. Collection method: clinical testing. Allele origin: germline. Affected: yes.

Literature cited by the submitters: PubMed 34668355 (cited by Women's Health and Genetics/Laboratory Corporation of America, LabCorp).